The following is an entry in ClinVar:

NM_001429.4(EP300):c.3458T>A (p.Ile1153Asn)

Gene: EP300 (EP300 lysine acetyltransferase; plus strand). Cytogenetic location: 22q13.2.
Variant type: single nucleotide variant.
Coding change: c.3458T>A on transcript NM_001429.4 (MANE Select); coding-DNA position 3458, T replaced by A.
Protein change: p.Ile1153Asn; replaces isoleucine 1153 with asparagine.
Molecular consequence: missense variant.
Genome position (GRCh38, 1-based): chr22:41,157,365, T>A. VCF-style: chr22-41157365-T-A. GRCh37 (hg19) VCF-style: chr22-41553369-T-A.
Other names: c.3380T>A, p.Ile1127Asn (NM_001362843.2); short protein forms I1153N, I1127N.
Identifiers: ClinVar variation 2696935 (VCV002696935.3), dbSNP rs2145747791, ClinGen allele CA411695041.

ClinVar aggregate classification (germline): Uncertain significance (1 of 4 stars; one submission).

Conditions:
Rubinstein-Taybi syndrome due to EP300 haploinsufficiency. Also called: RUBINSTEIN-TAYBI SYNDROME 2; EP300-Related Rubinstein-Taybi Syndrome. Identifiers: Orphanet 353284, Orphanet 783, MedGen C3150941, MONDO:0013364, OMIM 613684.

Submission:

Labcorp Genetics (formerly Invitae), Labcorp
Classification: Uncertain significance for Rubinstein-Taybi syndrome due to EP300 haploinsufficiency. Last evaluated: 2023-11-17. Review status: criteria provided, single submitter. Criteria: Invitae Variant Classification Sherloc (09022015). Collection method: clinical testing. Allele origin: germline.
Comment: This sequence change replaces isoleucine, which is neutral and non-polar, with asparagine, which is neutral and polar, at codon 1153 of the EP300 protein (p.Ile1153Asn). This variant is not present in population databases (gnomAD no frequency). This variant has not been reported in the literature in individuals affected with EP300-related conditions. Advanced modeling of protein sequence and biophysical properties (such as structural, functional, and spatial information, amino acid conservation, physicochemical variation, residue mobility, and thermodynamic stability) performed at Invitae indicates that this missense variant is expected to disrupt EP300 protein function with a positive predictive value of 80%. In summary, the available evidence is currently insufficient to determine the role of this variant in disease. Therefore, it has been classified as a Variant of Uncertain Significance.